The following is an entry in ClinVar:

NM_001170629.2(CHD8):c.6169A>T (p.Ser2057Cys)

Gene: CHD8 (chromodomain helicase DNA binding protein 8; minus strand). Cytogenetic location: 14q11.2.
Variant type: single nucleotide variant.
Coding change: c.6169A>T on transcript NM_001170629.2 (MANE Select); coding-DNA position 6169, A replaced by T.
Protein change: p.Ser2057Cys; replaces serine 2057 with cysteine.
Molecular consequence: missense variant.
Genome position (GRCh38, 1-based): chr14:21,393,626, T>A on the plus strand (A>T on the coding strand, the complement: CHD8 is on the minus strand). VCF-style: chr14-21393626-T-A. GRCh37 (hg19) VCF-style: chr14-21861785-T-A.
Other names: c.5332A>T, p.Ser1778Cys (NM_020920.4); short protein forms S1778C, S2057C.
Identifiers: ClinVar variation 5020797 (VCV005020797.1).

ClinVar aggregate classification (germline): Uncertain significance (1 of 4 stars; one submission).

Submission:

Dasa
Classification: Uncertain significance. Last evaluated: 2025-11-15. Review status: criteria provided, single submitter. Criteria: DASA Assertion Criteria. Collection method: clinical testing. Allele origin: germline.
Comment: NM_001170629.2(CHD8):c.6169A>T (p.Ser2057Cys) is a missense variant that results in the substitution of serine with cysteine. This variant is absent from population databases. The currently available literature and clinical evidence are not sufficient to establish a definitive association between this variant and the reported condition. Therefore, this variant is classified as a variant of uncertain significance.